The following is an entry in ClinVar:

NM_000535.7(PMS2):c.1663C>T (p.Gln555Ter)

Gene: PMS2 (PMS1 homolog 2, mismatch repair system component; minus strand). Cytogenetic location: 7p22.1.
Variant type: single nucleotide variant.
Coding change: c.1663C>T on transcript NM_000535.7 (MANE Select); coding-DNA position 1663, C replaced by T.
Protein change: p.Gln555Ter; replaces glutamine 555 with a stop codon.
Molecular consequence: nonsense. On other transcripts: non-coding transcript variant (1).
Genome position (GRCh38, 1-based): chr7:5,987,102, G>A on the plus strand (C>T on the coding strand, the complement: PMS2 is on the minus strand). VCF-style: chr7-5987102-G-A. GRCh37 (hg19) VCF-style: chr7-6026733-G-A.
Other names: c.1258C>T, p.Gln420Ter (NM_001018040.1, NM_001322003.2, NM_001322004.2 and 17 more transcripts); c.1507C>T, p.Gln503Ter (NM_001322006.2, NM_001406870.1); c.1345C>T, p.Gln449Ter (NM_001322007.2, NM_001322008.2, NM_001406876.1 and 2 more transcripts); c.1102C>T, p.Gln368Ter (NM_001322010.2, NM_001406906.1, NM_001406907.1); c.730C>T, p.Gln244Ter (NM_001322011.2, NM_001322012.2); c.1090C>T, p.Gln364Ter (NM_001322013.2, NM_001406909.1); c.1663C>T, p.Gln555Ter (NM_001322014.2, NM_001406871.1, NM_001406872.1); c.1354C>T, p.Gln452Ter (NM_001322015.2, NM_001406875.1, NM_001406877.1 and 5 more transcripts); and 12 more; short protein forms Q298*, Q368*, Q452*, Q489*, Q555*, Q244*, Q443*, Q519*.
Identifiers: ClinVar variation 1777530 (VCV001777530.2), dbSNP rs1554297399, ClinGen allele CA366741313.

ClinVar aggregate classification (germline): Pathogenic (1 of 4 stars; one submission).

Conditions:
Hereditary cancer-predisposing syndrome. Also called: Neoplastic Syndromes, Hereditary; Tumor predisposition; Hereditary Cancer Syndrome; Hereditary neoplastic syndrome. Identifiers: Orphanet 140162, MedGen C0027672, MeSH D009386, MONDO:0015356.

Submission:

Ambry Genetics
Classification: Pathogenic for Hereditary cancer-predisposing syndrome. Last evaluated: 2019-08-19. Review status: criteria provided, single submitter. Criteria: Ambry Variant Classification Scheme 2023. Collection method: clinical testing. Allele origin: germline.
Comment: The p.Q555* pathogenic mutation (also known as c.1663C>T), located in coding exon 11 of the PMS2 gene, results from a C to T substitution at nucleotide position 1663. This changes the amino acid from a glutamine to a stop codon within coding exon 11. This alteration is expected to result in loss of function by premature protein truncation or nonsense-mediated mRNA decay. As such, this alteration is interpreted as a disease-causing mutation.